The following is an entry in ClinVar:

NM_001267550.2(TTN):c.35027A>G (p.Glu11676Gly)

Gene: TTN (titin; minus strand). Cytogenetic location: 2q31.2.
Variant type: single nucleotide variant.
Coding change: c.35027A>G on transcript NM_001267550.2 (MANE Select); coding-DNA position 35027, A replaced by G.
Protein change: p.Glu11676Gly; replaces glutamic acid 11676 with glycine.
Molecular consequence: missense variant. On other transcripts: intron variant (3).
Genome position (GRCh38, 1-based): chr2:178,672,171, T>C on the plus strand (A>G on the coding strand, the complement: TTN is on the minus strand). VCF-style: chr2-178672171-T-C. GRCh37 (hg19) VCF-style: chr2-179536898-T-C.
Other names: p.Glu11302Gly; c.33905A>G, p.Glu11302Gly (NM_001256850.1); c.31124A>G, p.Glu10375Gly (NM_133378.4); c.13283-29854A>G (NM_003319.4); c.13859-29854A>G (NM_133437.4); c.13658-29854A>G (NM_133432.3); short protein forms E10375G, E11302G, E11676G.
Identifiers: ClinVar variation 4684615 (VCV004684615.1).

ClinVar aggregate classification (germline): Likely benign (1 of 4 stars; one submission).

Submission:

Mayo Clinic Laboratories, Mayo Clinic
Classification: Likely benign. Last evaluated: 2025-04-15. Review status: criteria provided, single submitter. Criteria: ACMG Guidelines, 2015. Collection method: clinical testing. Allele origin: germline. Observed: 1 variant allele.
Comment: BP4_moderate, PM2_supporting